The following is an entry in ClinVar:

NM_025081.3(NYNRIN):c.1988C>T (p.Pro663Leu)

Gene: NYNRIN (NYN domain and retroviral integrase containing; plus strand). Cytogenetic location: 14q12.
Variant type: single nucleotide variant.
Coding change: c.1988C>T on transcript NM_025081.3 (MANE Select); coding-DNA position 1988, C replaced by T.
Protein change: p.Pro663Leu; replaces proline 663 with leucine.
Molecular consequence: missense variant.
Genome position (GRCh38, 1-based): chr14:24,409,782, C>T. VCF-style: chr14-24409782-C-T. GRCh37 (hg19) VCF-style: chr14-24878988-C-T.
Other names: short protein forms P663L.
Identifiers: ClinVar variation 3602686 (VCV003602686.3).

ClinVar aggregate classification (germline): Uncertain significance. Review status: criteria provided, multiple submitters, no conflicts (2 of 4 stars). 2 submissions from 2 submitters: Uncertain significance (2). Last evaluated 2026-01-22.

Conditions:
Predisposition to Wilms tumor.

gnomAD v4.1: 343 of 1,612,878 alleles (0.021%); highest among the groups gnomAD compares: Middle Eastern, 0.38%; 1 homozygote.

Submissions (2):

Labcorp Genetics (formerly Invitae), Labcorp
Classification: Uncertain significance. Last evaluated: 2026-01-22. Review status: criteria provided, single submitter. Criteria: Invitae Variant Classification Sherloc (09022015). Collection method: clinical testing. Allele origin: germline.
Comment: This sequence change replaces proline, which is neutral and non-polar, with leucine, which is neutral and non-polar, at codon 663 of the NYNRIN protein (p.Pro663Leu). This variant is present in population databases (rs200060308, gnomAD 0.1%), and has an allele count higher than expected for a pathogenic variant. This variant has not been reported in the literature in individuals affected with NYNRIN-related conditions. ClinVar contains an entry for this variant (Variation ID: 3602686). Experimental studies and prediction algorithms are not available or were not evaluated, and the functional significance of this variant is currently unknown. In summary, the available evidence is currently insufficient to determine the role of this variant in disease. Therefore, it has been classified as a Variant of Uncertain Significance.

St. Jude Molecular Pathology, St. Jude Children's Research Hospital
Classification: Uncertain significance for Predisposition to Wilms tumor. Last evaluated: 2025-02-05. Review status: criteria provided, single submitter. Criteria: St. Jude Assertion Criteria 2020. Collection method: clinical testing. Allele origin: germline.
Comment: The NYNRIN c.1988C>T (p.Pro663Leu) missense change has a maximum subpopulation frequency of 0.015% in gnomAD v2.1.1. The in silico tool REVEL predicts a benign effect on protein function, but to our knowledge this prediction has not been confirmed by functional studies. To our knowledge, this variant has not been reported in individuals with NYNRIN-associated Wilms tumor. In summary, the evidence currently available is insufficient to determine the clinical significance of this variant. It has therefore been classified as of uncertain significance.